The following is an entry in ClinVar:

NM_000153.4(GALC):c.461C>A (p.Pro154His)

Gene: GALC (galactosylceramidase; minus strand). Cytogenetic location: 14q31.3.
Variant type: single nucleotide variant.
Coding change: c.461C>A on transcript NM_000153.4 (MANE Select); coding-DNA position 461, C replaced by A.
Protein change: p.Pro154His; replaces proline 154 with histidine.
Molecular consequence: missense variant.
Genome position (GRCh38, 1-based): chr14:87,984,515, G>T on the plus strand (C>A on the coding strand, the complement: GALC is on the minus strand). VCF-style: chr14-87984515-G-T. GRCh37 (hg19) VCF-style: chr14-88450859-G-T.
Other names: p.Pro154His; c.392C>A, p.Pro131His (NM_001201401.2); c.383C>A, p.Pro128His (NM_001201402.2); c.461C>A (NM_000153.3); short protein forms P128H, P131H, P154H.
Identifiers: ClinVar variation 1457103 (VCV001457103.9), dbSNP rs758557526, ClinGen allele CA7297353.

ClinVar aggregate classification (germline): Pathogenic/Likely pathogenic. Review status: criteria provided, multiple submitters, no conflicts (2 of 4 stars). 4 submissions from 4 submitters: Pathogenic (3); Likely pathogenic (1). Last evaluated 2025-04-10.

Conditions:
Galactosylceramide beta-galactosidase deficiency. Also called: Leukodystrophy, Globoid Cell; GALACTOCEREBROSIDASE DEFICIENCY; GALC DEFICIENCY; GLOBOID CELL LEUKOENCEPHALOPATHY; Krabbe Disease. Identifiers: Orphanet 487, MedGen C0023521, MONDO:0009499, OMIM 245200.

Allele frequency attached by ClinVar (database versions not stated): ExAC 0.00001; gnomAD exomes 0.00001.

Submissions (4):

Natera, Inc.
Classification: Pathogenic for Galactosylceramide beta-galactosidase deficiency. Last evaluated: 2025-04-10. Review status: criteria provided, single submitter. Criteria: Natera Variant Classification Schema (03/2026). Collection method: clinical testing. Allele origin: germline.
Comment: The c.461C>A variant in GALC is a missense variant predicted to cause substitution of proline to histidine at amino acid 154. This variant is rare in the general population with a frequency below the threshold expected for the associated phenotype(s). This variant has been observed in one or more individuals affected with the associated recessive disease, as either homozygous or compound heterozygous with a second variant (PMID: 28598007). Computational prediction algorithms indicate this variant is likely to affect gene or protein function. Given the available evidence, this variant is classified as Pathogenic.

Labcorp Genetics (formerly Invitae), Labcorp
Classification: Pathogenic for Galactosylceramide beta-galactosidase deficiency. Last evaluated: 2024-09-15. Review status: criteria provided, single submitter. Criteria: Invitae Variant Classification Sherloc (09022015). Collection method: clinical testing. Allele origin: germline.
Comment: This sequence change replaces proline, which is neutral and non-polar, with histidine, which is basic and polar, at codon 154 of the GALC protein (p.Pro154His). This variant is present in population databases (rs758557526, gnomAD 0.02%). This missense change has been observed in individual(s) with Krabbe disease (PMID: 31400137, 31885218). ClinVar contains an entry for this variant (Variation ID: 1457103). Invitae Evidence Modeling of protein sequence and biophysical properties (such as structural, functional, and spatial information, amino acid conservation, physicochemical variation, residue mobility, and thermodynamic stability) indicates that this missense variant is expected to disrupt GALC protein function with a positive predictive value of 95%. For these reasons, this variant has been classified as Pathogenic.

Mayo Clinic Laboratories, Mayo Clinic
Classification: Likely pathogenic. Last evaluated: 2023-04-28. Review status: criteria provided, single submitter. Criteria: ACMG Guidelines, 2015. Collection method: clinical testing. Allele origin: germline. Observed: 1 variant allele.
Comment: PP1, PP3, PP4, PM2, PM3

Juno Genomics, Hangzhou Juno Genomics, Inc
Classification: Pathogenic for Galactosylceramide beta-galactosidase deficiency. Review status: criteria provided, single submitter. Criteria: ACMG Guidelines, 2015. Collection method: clinical testing. Allele origin: germline. Affected: yes.
Comment: Absent from controls (or at extremely low frequency if recessive) in Genome Aggregation Database.;Multiple lines of computational evidence support a deleterious effect on the gene or gene product.;For recessive disorders, detected in trans with a pathogenic variant.;Patient's phenotype or family history is highly specific for a disease with a single genetic etiology.

Literature cited by the submitters: PubMed 28598007 (cited by Natera, Inc. and Mayo Clinic Laboratories, Mayo Clinic); PubMed 31400137 (cited by Labcorp Genetics (formerly Invitae), Labcorp); PubMed 31885218 (cited by Labcorp Genetics (formerly Invitae), Labcorp and Mayo Clinic Laboratories, Mayo Clinic); PubMed 32973651 (cited by Mayo Clinic Laboratories, Mayo Clinic).